The following is an entry in ClinVar:

NM_000153.4(GALC):c.579del (p.Ile193fs)

Gene: GALC (galactosylceramidase; minus strand). Cytogenetic location: 14q31.3.
Variant type: Deletion.
Coding change: c.579del on transcript NM_000153.4 (MANE Select); coding-DNA position 579, one base deleted (T; older notation c.579delT).
Protein change: p.Ile193fs; shifts the reading frame from isoleucine 193.
Molecular consequence: frameshift variant. On other transcripts: 5 prime UTR variant (2), non-coding transcript variant (1).
Genome position (GRCh38, 1-based): chr14:87,984,397, A deleted on the plus strand (T on the coding strand, the reverse complement: GALC is on the minus strand); the first of 2 consecutive A bases (chr14:87,984,397-87,984,398); deleting either gives the same sequence. VCF-style (leftmost placement, unchanged base first): chr14-87984396-CA-C. GRCh37 (hg19) VCF-style: chr14-88450740-CA-C.
Other names: p.Ile193Metfs*17; c.510del, p.Ile170fs (NM_001201401.2); c.501del, p.Ile167fs (NM_001201402.2); c.411del, p.Ile137fs (NM_001424071.1, NM_001424072.1, NM_001424073.1); c.231del, p.Ile77fs (NM_001424074.1, NM_001424075.1); c.-89del (NM_001424076.1, NM_001424077.1); short protein forms I137fs, I167fs, I170fs, I193fs, I77fs.
Identifiers: ClinVar variation 3381123 (VCV003381123.1).
Genomic context (GRCh38, chr14:87,984,396, plus strand): 5'-TTTTCTAAATTACAAACAAATGTCCAAAACTGAATCATATTTTAAATATATTACTAACTC[CA>C]ATATAATCAATGTCCAAATCATGGTAACGCTTGGCGCCCACAATCCAGGTCACGACATAA-3'

ClinVar aggregate classification (germline): Likely pathogenic (1 of 4 stars; one submission).

Submission:

Mayo Clinic Laboratories, Mayo Clinic
Classification: Likely pathogenic. Last evaluated: 2023-08-08. Review status: criteria provided, single submitter. Criteria: ACMG Guidelines, 2015. Collection method: clinical testing. Allele origin: germline. Observed: 1 variant allele.
Comment: PM2_moderate, PVS1